The following is an entry in ClinVar:

NM_003504.5(CDC45):c.1021C>T (p.Arg341Trp)

Gene: CDC45 (cell division cycle 45; plus strand). Cytogenetic location: 22q11.21.
Variant type: single nucleotide variant.
Coding change: c.1021C>T on transcript NM_003504.5 (MANE Select); coding-DNA position 1021, C replaced by T.
Protein change: p.Arg341Trp; replaces arginine 341 with tryptophan.
Molecular consequence: missense variant. On other transcripts: non-coding transcript variant (1).
Genome position (GRCh38, 1-based): chr22:19,507,830, C>T. VCF-style: chr22-19507830-C-T. GRCh37 (hg19) VCF-style: chr22-19495353-C-T.
Other names: c.1117C>T, p.Arg373Trp (NM_001178010.2); c.883C>T, p.Arg295Trp (NM_001178011.2); c.985C>T, p.Arg329Trp (NM_001369291.1); short protein forms R373W, R295W, R341W, R329W.
Identifiers: ClinVar variation 635406 (VCV000635406.4), dbSNP rs540900837, ClinGen allele CA10101308.
Genomic context (GRCh38, chr22:19,507,830, plus strand): 5'-CCCCTGAAGCAGGTGAAGCAGAAGTTCCAGGCCATGGACATCTCCTTGAAGGAGAATTTG[C>T]GGGAAATGATTGAAGAGTCTGCAAATAAATTTGGGTAAACACACATTTTTCTGGATTTAT-3'
Protein context (NP_003495.1, residues 331-351): AMDISLKENL[Arg341Trp]EMIEESANKF

ClinVar aggregate classification (germline): Conflicting classifications of pathogenicity. Review status: criteria provided, conflicting classifications (1 of 4 stars). 2 submissions from 2 submitters: Likely pathogenic (1); Uncertain significance (1). Last evaluated 2022-04-20.

Conditions:
Meier-Gorlin syndrome 7. Identifiers: Orphanet 2554, MedGen C4310738, MONDO:0014894, OMIM 617063. Disease mechanism: loss of function.

Allele frequency attached by ClinVar (database versions not stated): ExAC 0.00002; gnomAD 0.00002 and 0.00003; TOPMed 0.00002; gnomAD exomes 0.00003 and 0.00007.

Submissions (2):

Labcorp Genetics (formerly Invitae), Labcorp
Classification: Uncertain significance. Last evaluated: 2022-04-20. Review status: criteria provided, single submitter. Criteria: Invitae Variant Classification Sherloc (09022015). Collection method: clinical testing. Allele origin: germline.
Comment: In summary, the available evidence is currently insufficient to determine the role of this variant in disease. Therefore, it has been classified as a Variant of Uncertain Significance. Algorithms developed to predict the effect of missense changes on protein structure and function are either unavailable or do not agree on the potential impact of this missense change (SIFT: "Deleterious"; PolyPhen-2: "Possibly Damaging"; Align-GVGD: "Class C0"). This sequence change replaces arginine, which is basic and polar, with tryptophan, which is neutral and slightly polar, at codon 373 of the CDC45 protein (p.Arg373Trp). This variant is present in population databases (rs540900837, gnomAD 0.01%). This missense change has been observed in individual(s) with Meier-Gorlin syndrome (PMID: 30986546). In at least one individual the data is consistent with being in trans (on the opposite chromosome) from a pathogenic variant. ClinVar contains an entry for this variant (Variation ID: 635406).

Genetics Service, Department of Paediatrics, KK Women's and Children's Hospital
Classification: Likely pathogenic for Meier-Gorlin syndrome 7. Last evaluated: 2018-06-08. Review status: criteria provided, single submitter. Criteria: ACMG Guidelines, 2015. Collection method: research. Allele origin: maternal. Inheritance: Autosomal recessive inheritance. Affected: yes.

Literature cited by the submitters: PubMed 30986546 (cited by Labcorp Genetics (formerly Invitae), Labcorp).